The following is an entry in ClinVar:

NM_000219.6(KCNE1):c.257C>G (p.Ala86Gly)

Gene: KCNE1 (potassium voltage-gated channel subfamily E regulatory subunit 1; minus strand). Cytogenetic location: 21q22.12.
Variant type: single nucleotide variant.
Coding change: c.257C>G on transcript NM_000219.6 (MANE Select); coding-DNA position 257, C replaced by G.
Protein change: p.Ala86Gly; replaces alanine 86 with glycine.
Molecular consequence: missense variant.
Genome position (GRCh38, 1-based): chr21:34,449,378, G>C on the plus strand (C>G on the coding strand, the complement: KCNE1 is on the minus strand). VCF-style: chr21-34449378-G-C. GRCh37 (hg19) VCF-style: chr21-35821676-G-C.
Other names: c.257C>G, p.Ala86Gly (NM_001127668.4, NM_001127669.4, NM_001127670.4 and 4 more transcripts); short protein forms A86G.
Identifiers: ClinVar variation 3374457 (VCV003374457.2).

Conditions:
Long QT syndrome 5 (LQT5). Identifiers: Orphanet 101016, Orphanet 768, MedGen C1867904, MONDO:0013372, OMIM 613695.

Submission:

Roden Lab, Vanderbilt University Medical Center
No classification provided (evidence only). Condition: Long QT syndrome 5. Review status: no classification provided. Collection method: in vitro. Allele origin: not applicable. Functional consequence: Effect on ion channel function.
ClinVar note: "not provided" was previously submitted as the classification for the variant. However, the classification appeared to be based only on an observation of functional data so it was converted to no classification on 2025-07-30.